The following is an entry in ClinVar:

ClinVar aggregate classification (germline): Uncertain significance (1 of 4 stars; one submission).

Submission:

GeneDx
Classification: Uncertain significance. Last evaluated: 2024-12-11. Review status: criteria provided, single submitter. Criteria: GeneDx Variant Classification Process June 2021. Collection method: clinical testing. Allele origin: germline. Affected: yes.
Comment: Not observed at significant frequency in large population cohorts (gnomAD); In silico analysis supports that this missense variant has a deleterious effect on protein structure/function; Has not been previously published as pathogenic or benign to our knowledge

NM_001145358.2(SIN3A):c.106C>T (p.Pro36Ser)

Gene: SIN3A (SIN3 transcription regulator family member A; minus strand). Cytogenetic location: 15q24.2.
Variant type: single nucleotide variant.
Coding change: c.106C>T on transcript NM_001145358.2 (MANE Select); coding-DNA position 106, C replaced by T.
Protein change: p.Pro36Ser; replaces proline 36 with serine.
Molecular consequence: missense variant.
Genome position (GRCh38, 1-based): chr15:75,430,270, G>A on the plus strand (C>T on the coding strand, the complement: SIN3A is on the minus strand). VCF-style: chr15-75430270-G-A. GRCh37 (hg19) VCF-style: chr15-75722611-G-A.
Other names: c.106C>T, p.Pro36Ser (NM_001145357.2, NM_015477.3); short protein forms P36S.
Identifiers: ClinVar variation 3902864 (VCV003902864.1).